The following is an entry in ClinVar:

ClinVar aggregate classification (germline): Uncertain significance (1 of 4 stars; one submission).

Conditions:
Short-rib thoracic dysplasia 8 with or without polydactyly (SRTD8). Also called: SHORT-RIB THORACIC DYSPLASIA 8 WITH POLYDACTYLY. Identifiers: Orphanet 93271, MedGen C3809691, MONDO:0014214, OMIM 615503.

Submission:

Labcorp Genetics (formerly Invitae), Labcorp
Classification: Uncertain significance for Short-rib thoracic dysplasia 8 with or without polydactyly. Last evaluated: 2024-08-19. Review status: criteria provided, single submitter. Criteria: Invitae Variant Classification Sherloc (09022015). Collection method: clinical testing. Allele origin: germline.
Comment: This sequence change replaces threonine, which is neutral and polar, with alanine, which is neutral and non-polar, at codon 958 of the WDR60 protein (p.Thr958Ala). This variant is not present in population databases (gnomAD no frequency). This variant has not been reported in the literature in individuals affected with WDR60-related conditions. ClinVar contains an entry for this variant (Variation ID: 2077420). An algorithm developed to predict the effect of missense changes on protein structure and function (PolyPhen-2) suggests that this variant is likely to be disruptive. In summary, the available evidence is currently insufficient to determine the role of this variant in disease. Therefore, it has been classified as a Variant of Uncertain Significance.

NM_018051.5(DYNC2I1):c.2872A>G (p.Thr958Ala)

Gene: DYNC2I1 (dynein 2 intermediate chain 1; plus strand). Cytogenetic location: 7q36.3.
Variant type: single nucleotide variant.
Coding change: c.2872A>G on transcript NM_018051.5 (MANE Select); coding-DNA position 2872, A replaced by G.
Protein change: p.Thr958Ala; replaces threonine 958 with alanine.
Molecular consequence: missense variant.
Genome position (GRCh38, 1-based): chr7:158,942,018, A>G. VCF-style: chr7-158942018-A-G. GRCh37 (hg19) VCF-style: chr7-158734709-A-G.
Other names: c.2734A>G, p.Thr912Ala (NM_001350914.2); c.2299A>G, p.Thr767Ala (NM_001350915.2); c.1411A>G, p.Thr471Ala (NM_001350916.2); c.1624A>G, p.Thr542Ala (NM_001350917.2, NM_001350918.2); short protein forms T542A, T767A, T912A, T471A, T958A.
Identifiers: ClinVar variation 2077420 (VCV002077420.4), dbSNP rs1585253913, ClinGen allele CA370190223.